The following is an entry in ClinVar:

NM_004168.4(SDHA):c.1568C>A (p.Ala523Asp)

Gene: SDHA (succinate dehydrogenase complex flavoprotein subunit A; plus strand). Cytogenetic location: 5p15.33.
Variant type: single nucleotide variant.
Coding change: c.1568C>A on transcript NM_004168.4 (MANE Select); coding-DNA position 1568, C replaced by A.
Protein change: p.Ala523Asp; replaces alanine 523 with aspartic acid.
Molecular consequence: missense variant. On other transcripts: intron variant (1).
Genome position (GRCh38, 1-based): chr5:251,008, C>A. VCF-style: chr5-251008-C-A. GRCh37 (hg19) VCF-style: chr5-251123-C-A.
Other names: c.1424C>A, p.Ala475Asp (NM_001294332.2); c.1552-3385C>A (NM_001330758.2); short protein forms A475D, A523D.
Identifiers: ClinVar variation 960610 (VCV000960610.10), dbSNP rs1736785630, ClinGen allele CA358998444.

ClinVar aggregate classification (germline): Uncertain significance (1 of 4 stars; one submission).

Conditions:
Mitochondrial complex II deficiency, nuclear type 1. Also called: SUCCINATE CoQ REDUCTASE DEFICIENCY. Identifiers: Orphanet 3208, MedGen C5700310, MONDO:0100294, OMIM 252011.
Pheochromocytoma/paraganglioma syndrome 5. Also called: Paragangliomas 5; SDHA-Related Hereditary Paraganglioma-Pheochromocytoma Syndrome. Identifiers: Orphanet 29072, MedGen C3279992, MONDO:0013602, OMIM 614165.

Submission:

Labcorp Genetics (formerly Invitae), Labcorp
Classification: Uncertain significance for Pheochromocytoma/paraganglioma syndrome 5; Mitochondrial complex II deficiency, nuclear type 1. Last evaluated: 2019-09-09. Review status: criteria provided, single submitter. Criteria: Invitae Variant Classification Sherloc (09022015). Collection method: clinical testing. Allele origin: germline.
Comment: In summary, the available evidence is currently insufficient to determine the role of this variant in disease. Therefore, it has been classified as a Variant of Uncertain Significance. Algorithms developed to predict the effect of missense changes on protein structure and function (SIFT, PolyPhen-2, Align-GVGD) all suggest that this variant is likely to be disruptive, but these predictions have not been confirmed by published functional studies and their clinical significance is uncertain. This variant has not been reported in the literature in individuals with SDHA-related conditions. This variant is not present in population databases (ExAC no frequency). This sequence change replaces alanine with aspartic acid at codon 523 of the SDHA protein (p.Ala523Asp). The alanine residue is highly conserved and there is a moderate physicochemical difference between alanine and aspartic acid.